The following is an entry in ClinVar:

ClinVar aggregate classification (germline): Likely pathogenic (1 of 4 stars; one submission).

Conditions:
Dilated cardiomyopathy 1DD (CMD1DD). Identifiers: Orphanet 154, MedGen C2750995, MONDO:0013168, OMIM 613172.

Allele frequency attached by ClinVar (database versions not stated): gnomAD exomes below 0.00001.
gnomAD v4.1: 2 of 1,425,696 alleles (0.00014%); highest among the groups gnomAD compares: South Asian, 0.0016%; no homozygotes.

Submission:

Labcorp Genetics (formerly Invitae), Labcorp
Classification: Likely pathogenic for Dilated cardiomyopathy 1DD. Last evaluated: 2025-12-08. Review status: criteria provided, single submitter. Criteria: Invitae Variant Classification Sherloc (09022015). Collection method: clinical testing. Allele origin: germline.
Comment: This sequence change affects a donor splice site in intron 9 of the RBM20 gene. It is expected to disrupt RNA splicing. Variants that disrupt the donor or acceptor splice site typically lead to a loss of protein function (PMID: 16199547), and loss-of-function variants in RBM20 are known to be pathogenic (PMID: 20590677, 22004663, 38288598, 38510713, 40339755). This variant is not present in population databases (gnomAD no frequency). This variant has not been reported in the literature in individuals affected with RBM20-related conditions. ClinVar contains an entry for this variant (Variation ID: 1345506). Algorithms developed to predict the effect of sequence changes on RNA splicing suggest that this variant may disrupt the consensus splice site. In summary, the currently available evidence indicates that the variant is pathogenic, but additional data are needed to prove that conclusively. Therefore, this variant has been classified as Likely Pathogenic.

Literature cited by the submitters: PubMed 16199547; PubMed 20590677; PubMed 22004663; PubMed 38288598; PubMed 38510713; PubMed 40339755.

NM_001134363.3(RBM20):c.2550+1G>A

Gene: RBM20 (RNA binding motif protein 20; plus strand). Cytogenetic location: 10q25.2.
Variant type: single nucleotide variant.
Coding change: c.2550+1G>A on transcript NM_001134363.3 (MANE Select); the canonical splice donor site of the intron after coding-DNA position 2550, G replaced by A.
Molecular consequence: splice donor variant.
Genome position (GRCh38, 1-based): chr10:110,812,948, G>A. VCF-style: chr10-110812948-G-A. GRCh37 (hg19) VCF-style: chr10-112572706-G-A.
Identifiers: ClinVar variation 1345506 (VCV001345506.6), dbSNP rs1844794840, ClinGen allele CA378374824.